The following is an entry in ClinVar:

NM_001365906.3(PAPLN):c.3153G>C (p.Arg1051=)

Gene: PAPLN (papilin, proteoglycan like sulfated glycoprotein; plus strand). Cytogenetic location: 14q24.2.
Variant type: single nucleotide variant.
Coding change: c.3153G>C on transcript NM_001365906.3 (MANE Select); coding-DNA position 3153, G replaced by C.
Protein change: p.Arg1051=; no amino-acid change (arginine 1051 retained).
Molecular consequence: synonymous variant. On other transcripts: non-coding transcript variant (2).
Genome position (GRCh38, 1-based): chr14:73,265,397, G>C. VCF-style: chr14-73265397-G-C. GRCh37 (hg19) VCF-style: chr14-73732105-G-C.
Other names: c.3105G>C, p.Arg1035= (NM_001365907.2); c.3072G>C, p.Arg1024= (NM_173462.4).
Identifiers: ClinVar variation 2644360 (VCV002644360.24), dbSNP rs146264952, ClinGen allele CA7258379.
Genomic context (GRCh38, chr14:73,265,397, plus strand): 5'-GGCCCCTCATGCTGTGGGCTGCTTGTTTGGCAGGCTGCGTTTGGACCAGAACCAGCCCCG[G>C]GTGGTGGATGCCAGTCCAGGCCAGCGGATCCGGATGACCTGCCGTGCCGAAGGCTTCCCG-3'
Protein context (NP_001352835.1, residues 1041-1061): NRLRLDQNQP[Arg1051=]VVDASPGQRI

ClinVar aggregate classification (germline): Likely benign (1 of 4 stars; one submission).

Allele frequency attached by ClinVar (database versions not stated): 1000 Genomes Project 30x 0.00078; 1000 Genomes Project 0.00080; TOPMed 0.00114; ExAC 0.00116; gnomAD 0.00121; ESP Exome Variant Server 0.00208.
gnomAD v4.1: 2,934 of 1,611,642 alleles (0.18%); highest among the groups gnomAD compares: Non-Finnish European, 0.23%; 5 homozygotes.

Submission:

CeGaT Center for Human Genetics Tuebingen
Classification: Likely benign. Last evaluated: 2023-03-01. Review status: criteria provided, single submitter. Criteria: CeGaT Center For Human Genetics Tuebingen Variant Classification Criteria Version 2. Collection method: clinical testing. Allele origin: germline. Affected: yes. Observed: 1 variant allele.
Comment: PAPLN: BP4, BP7